The following is an entry in ClinVar:

NM_006218.4(PIK3CA):c.214A>G (p.Ser72Gly)

Gene: PIK3CA (phosphatidylinositol-4,5-bisphosphate 3-kinase catalytic subunit alpha; plus strand). Cytogenetic location: 3q26.32.
Variant type: single nucleotide variant.
Coding change: c.214A>G on transcript NM_006218.4 (MANE Select); coding-DNA position 214, A replaced by G.
Protein change: p.Ser72Gly; replaces serine 72 with glycine.
Molecular consequence: missense variant.
Genome position (GRCh38, 1-based): chr3:179,199,039, A>G. VCF-style: chr3-179199039-A-G. GRCh37 (hg19) VCF-style: chr3-178916827-A-G.
Other names: c.214A>G (LRG_310t1); short protein forms S72G.
Identifiers: ClinVar variation 567407 (VCV000567407.9), dbSNP rs1560137176, ClinGen allele CA355272051.

ClinVar aggregate classification (germline): Uncertain significance (1 of 4 stars; one submission).

Conditions:
Cowden syndrome (CS). Also called: Cowden's disease; Cowden's syndrome; Cowden disease. Identifiers: Orphanet 201, MedGen C0018553, MONDO:0016063. Disease mechanism: gain of function.

Allele frequency attached by ClinVar (database versions not stated): gnomAD exomes below 0.00001; gnomAD 0.00001.
gnomAD v4.1: 2 of 1,613,524 alleles (0.00012%); highest among the groups gnomAD compares: Non-Finnish European, 0.000085%; no homozygotes.

Submission:

Labcorp Genetics (formerly Invitae), Labcorp
Classification: Uncertain significance for Cowden syndrome. Last evaluated: 2018-04-17. Review status: criteria provided, single submitter. Criteria: Invitae Variant Classification Sherloc (09022015). Collection method: clinical testing. Allele origin: germline.
Comment: Algorithms developed to predict the effect of sequence changes on RNA splicing suggest that this variant may create or strengthen a splice site, but this prediction has not been confirmed by published transcriptional studies. This sequence change replaces serine with glycine at codon 72 of the PIK3CA protein (p.Ser72Gly). The serine residue is highly conserved and there is a small physicochemical difference between serine and glycine. This variant is not present in population databases (ExAC no frequency). This variant has not been reported in the literature in individuals with PIK3CA-related disease. Algorithms developed to predict the effect of missense changes on protein structure and function (SIFT, PolyPhen-2, Align-GVGD) all suggest that this variant is likely to be tolerated, but these predictions have not been confirmed by published functional studies and their clinical significance is uncertain. In summary, the available evidence is currently insufficient to determine the role of this variant in disease. Therefore, it has been classified as a Variant of Uncertain Significance.